The following is an entry in ClinVar:

NM_000444.6(PHEX):c.49A>T (p.Arg17Ter)

Gene: PHEX (phosphate regulating endopeptidase X-linked; plus strand). Cytogenetic location: Xp22.11.
Variant type: single nucleotide variant.
Coding change: c.49A>T on transcript NM_000444.6 (MANE Select); coding-DNA position 49, A replaced by T.
Protein change: p.Arg17Ter; replaces arginine 17 with a stop codon.
Molecular consequence: nonsense.
Genome position (GRCh38, 1-based): chrX:22,033,054, A>T. VCF-style: chrX-22033054-A-T. GRCh37 (hg19) VCF-style: chrX-22051172-A-T.
Other names: c.49A>T, p.Arg17Ter (NM_001282754.2); short protein forms R17*.
Identifiers: ClinVar variation 965661 (VCV000965661.7), dbSNP rs1926870020, ClinGen allele CA412563977.

ClinVar aggregate classification (germline): Pathogenic (1 of 4 stars; one submission).

Submission:

Labcorp Genetics (formerly Invitae), Labcorp
Classification: Pathogenic. Last evaluated: 2020-02-22. Review status: criteria provided, single submitter. Criteria: Invitae Variant Classification Sherloc (09022015). Collection method: clinical testing. Allele origin: germline.
Comment: This sequence change creates a premature translational stop signal (p.Arg17*) in the PHEX gene. It is expected to result in an absent or disrupted protein product. This variant is not present in population databases (ExAC no frequency). This variant has not been reported in the literature in individuals with PHEX-related conditions. Loss-of-function variants in PHEX are known to be pathogenic (PMID: 9097956, 9106524, 19219621). For these reasons, this variant has been classified as Pathogenic.

Literature cited by the submitters: PubMed 9097956; PubMed 9106524; PubMed 19219621.